The following is an entry in ClinVar:

NM_004380.3(CREBBP):c.5925dup (p.Asn1976fs)

Gene: CREBBP (CREB binding lysine acetyltransferase; minus strand). Cytogenetic location: 16p13.3.
Variant type: Duplication.
Coding change: c.5925dup on transcript NM_004380.3 (MANE Select); coding-DNA position 5925, one base duplicated (G; older notation c.5925dupG).
Protein change: p.Asn1976fs; shifts the reading frame from asparagine 1976.
Molecular consequence: frameshift variant.
Genome position (GRCh38, 1-based): chr16:3,729,122, C duplicated on the plus strand (G on the coding strand, the reverse complement: CREBBP is on the minus strand). VCF-style (leftmost placement, unchanged base first): chr16-3729121-T-TC. GRCh37 (hg19) VCF-style: chr16-3779122-T-TC.
Other names: c.5811dup, p.Asn1938fs (NM_001079846.1); short protein forms N1938fs, N1976fs.
Identifiers: ClinVar variation 4886504 (VCV004886504.2).

ClinVar aggregate classification (germline): Likely pathogenic (1 of 4 stars; one submission).

Submission:

Dasa
Classification: Likely pathogenic. Last evaluated: 2025-09-25. Review status: criteria provided, single submitter. Criteria: DASA Assertion Criteria. Collection method: clinical testing. Allele origin: germline.
Comment: NM_004380.3(CREBBP):c.5925dup (p.Asn1976Glufs*365) is a frameshift variant in CREBBP predicted to alter the reading frame and introduce a premature termination codon and is predicted to result in an absent or altered protein product. Loss of function is an established disease mechanism for CREBBP (PMID: 17473832; PMID: 20717166; PMID: 18792986). Also, this variant is absent from population databases. Based on the currently available evidence, this variant is classified as likely pathogenic.

Literature cited by the submitters: PubMed 17473832; PubMed 20717166; PubMed 18792986.